The following is an entry in ClinVar:

NM_002941.4(ROBO1):c.85C>T (p.Pro29Ser)

Gene: ROBO1 (roundabout guidance receptor 1; minus strand). Cytogenetic location: 3p12.3.
Variant type: single nucleotide variant.
Coding change: c.85C>T on transcript NM_002941.4 (MANE Select); coding-DNA position 85, C replaced by T.
Protein change: p.Pro29Ser; replaces proline 29 with serine.
Molecular consequence: missense variant.
Genome position (GRCh38, 1-based): chr3:79,589,827, G>A on the plus strand (C>T on the coding strand, the complement: ROBO1 is on the minus strand). VCF-style: chr3-79589827-G-A. GRCh37 (hg19) VCF-style: chr3-79638977-G-A.
Other names: short protein forms P29S.
Identifiers: ClinVar variation 3000387 (VCV003000387.3), dbSNP rs760924792, ClinGen allele CA2499417.

ClinVar aggregate classification (germline): Uncertain significance (1 of 4 stars; one submission).

Allele frequency attached by ClinVar (database versions not stated): gnomAD exomes 0.00001; ExAC 0.00002.

Submission:

Labcorp Genetics (formerly Invitae), Labcorp
Classification: Uncertain significance. Last evaluated: 2024-01-16. Review status: criteria provided, single submitter. Criteria: Invitae Variant Classification Sherloc (09022015). Collection method: clinical testing. Allele origin: germline.
Comment: This sequence change replaces proline, which is neutral and non-polar, with serine, which is neutral and polar, at codon 29 of the ROBO1 protein (p.Pro29Ser). This variant is present in population databases (rs760924792, gnomAD 0.003%). This variant has not been reported in the literature in individuals affected with ROBO1-related conditions. Advanced modeling of protein sequence and biophysical properties (such as structural, functional, and spatial information, amino acid conservation, physicochemical variation, residue mobility, and thermodynamic stability) performed at Invitae indicates that this missense variant is not expected to disrupt ROBO1 protein function with a negative predictive value of 95%. In summary, the available evidence is currently insufficient to determine the role of this variant in disease. Therefore, it has been classified as a Variant of Uncertain Significance.